The following is an entry in ClinVar:

NM_032634.4(PIGO):c.1776C>G (p.Gly592=)

Gene: PIGO (phosphatidylinositol glycan anchor biosynthesis class O; minus strand). Cytogenetic location: 9p13.3.
Variant type: single nucleotide variant.
Coding change: c.1776C>G on transcript NM_032634.4 (MANE Select); coding-DNA position 1776, C replaced by G.
Protein change: p.Gly592=; no amino-acid change (glycine 592 retained).
Molecular consequence: synonymous variant. On other transcripts: intron variant (2).
Genome position (GRCh38, 1-based): chr9:35,092,111, G>C on the plus strand (C>G on the coding strand, the complement: PIGO is on the minus strand). VCF-style: chr9-35092111-G-C. GRCh37 (hg19) VCF-style: chr9-35092108-G-C.
Other names: c.1344+432C>G (NM_152850.4, NM_001201484.2).
Identifiers: ClinVar variation 392445 (VCV000392445.8), dbSNP rs752370056, ClinGen allele CA5040567.

ClinVar aggregate classification (germline): Likely benign. Review status: criteria provided, multiple submitters, no conflicts (2 of 4 stars). 2 submissions from 2 submitters: Likely benign (2). Last evaluated 2024-12-03.

Conditions:
Hyperphosphatasia with impaired intellectual development syndrome 2. Also called: GLYCOSYLPHOSPHATIDYLINOSITOL BIOSYNTHESIS DEFECT 6; Hyperphosphatasia with intellectual disability syndrome 2. Identifiers: Orphanet 247262, MedGen C3553637, MONDO:0013882, OMIM 614749.

Allele frequency attached by ClinVar (database versions not stated): gnomAD 0.00003; gnomAD exomes 0.00002; ExAC 0.00002; TOPMed 0.00009.
gnomAD v4.1: 11 of 1,614,100 alleles (0.00068%); highest among the groups gnomAD compares: African/African-American, 0.015%; no homozygotes.

Submissions (2):

Labcorp Genetics (formerly Invitae), Labcorp
Classification: Likely benign for Hyperphosphatasia with impaired intellectual development syndrome 2. Last evaluated: 2024-12-03. Review status: criteria provided, single submitter. Criteria: Invitae Variant Classification Sherloc (09022015). Collection method: clinical testing. Allele origin: germline.

GeneDx
Classification: Likely benign. Last evaluated: 2017-01-06. Review status: criteria provided, single submitter. Criteria: GeneDx Variant Classification (06012015). Collection method: clinical testing. Allele origin: germline. Affected: yes.
Comment: This variant is considered likely benign or benign based on one or more of the following criteria: it is a conservative change, it occurs at a poorly conserved position in the protein, it is predicted to be benign by multiple in silico algorithms, and/or has population frequency not consistent with disease.